The following is an entry in ClinVar:

ClinVar aggregate classification (germline): Uncertain significance. Review status: criteria provided, multiple submitters, no conflicts (2 of 4 stars). 3 submissions from 3 submitters: Uncertain significance (3). Last evaluated 2025-10-21.

Conditions:
Congenital contractural arachnodactyly (CCA). Also called: BEALS SYNDROME; Beals-Hecht syndrome; Arthrogryposis, distal, type 9. Identifiers: Orphanet 115, MedGen C0220668, MONDO:0007363, OMIM 121050.
Familial thoracic aortic aneurysm and aortic dissection (TAAD). Also called: Thoracic aortic aneurysms and dissections. Identifiers: Orphanet 91387, MedGen C4707243, MONDO:0019625.

Allele frequency attached by ClinVar (database versions not stated): gnomAD 0.00002; TOPMed 0.00002.
gnomAD v4.1: 16 of 1,613,968 alleles (0.00099%); highest among the groups gnomAD compares: Non-Finnish European, 0.0013%; no homozygotes.

Submissions (3):

Labcorp Genetics (formerly Invitae), Labcorp
Classification: Uncertain significance for Congenital contractural arachnodactyly. Last evaluated: 2025-10-21. Review status: criteria provided, single submitter. Criteria: Invitae Variant Classification Sherloc (09022015). Collection method: clinical testing. Allele origin: germline.
Comment: This sequence change replaces valine, which is neutral and non-polar, with alanine, which is neutral and non-polar, at codon 471 of the FBN2 protein (p.Val471Ala). This variant is not present in population databases (gnomAD no frequency). This variant has not been reported in the literature in individuals affected with FBN2-related conditions. ClinVar contains an entry for this variant (Variation ID: 1037330). Invitae Evidence Modeling of protein sequence and biophysical properties (such as structural, functional, and spatial information, amino acid conservation, physicochemical variation, residue mobility, and thermodynamic stability) indicates that this missense variant is not expected to disrupt FBN2 protein function with a negative predictive value of 95%. In summary, the available evidence is currently insufficient to determine the role of this variant in disease. Therefore, it has been classified as a Variant of Uncertain Significance.

Ambry Genetics
Classification: Uncertain significance for Familial thoracic aortic aneurysm and aortic dissection. Last evaluated: 2025-09-16. Review status: criteria provided, single submitter. Criteria: Ambry Variant Classification Scheme 2023. Collection method: clinical testing. Allele origin: germline.
Comment: The p.V471A variant (also known as c.1412T>C), located in coding exon 10 of the FBN2 gene, results from a T to C substitution at nucleotide position 1412. The valine at codon 471 is replaced by alanine, an amino acid with similar properties. This amino acid position is well conserved in available vertebrate species. In addition, this alteration is predicted to be tolerated by in silico analysis. Based on the available evidence, the clinical significance of this variant remains unclear.

GeneDx
Classification: Uncertain significance. Last evaluated: 2021-04-02. Review status: criteria provided, single submitter. Criteria: GeneDx Variant Classification Process June 2021. Collection method: clinical testing. Allele origin: germline. Affected: yes.
Comment: Has not been previously published as pathogenic or benign to our knowledge; Not observed in large population cohorts (Lek et al., 2016); Reported in ClinVar as a variant of uncertain significance (ClinVar Variant ID# 1037330; Landrum et al., 2016); Does not affect a cysteine residue within a calcium-binding EGF-like domain of the FBN2 gene; cysteine substitutions in the calcium-binding EGF-like domains represent the majority of pathogenic missense changes associated with FBN2-related disorders (Frederic et al., 2009).; In silico analysis supports that this missense variant does not alter protein structure/function

NM_001999.4(FBN2):c.1412T>C (p.Val471Ala)

Gene: FBN2 (fibrillin 2; minus strand). Cytogenetic location: 5q23.3.
Variant type: single nucleotide variant.
Coding change: c.1412T>C on transcript NM_001999.4 (MANE Select); coding-DNA position 1412, T replaced by C.
Protein change: p.Val471Ala; replaces valine 471 with alanine.
Molecular consequence: missense variant.
Genome position (GRCh38, 1-based): chr5:128,393,188, A>G on the plus strand (T>C on the coding strand, the complement: FBN2 is on the minus strand). VCF-style: chr5-128393188-A-G. GRCh37 (hg19) VCF-style: chr5-127728881-A-G.
Other names: short protein forms V471A.
Identifiers: ClinVar variation 1037330 (VCV001037330.11), dbSNP rs928205576, ClinGen allele CA360749082.